The following is an entry in ClinVar:

ClinVar aggregate classification (germline): Benign/Likely benign. Review status: criteria provided, multiple submitters, no conflicts (2 of 4 stars). 3 submissions from 3 submitters: Benign (1); Likely benign (2). Last evaluated 2026-01-17.

Allele frequency attached by ClinVar (database versions not stated): gnomAD 0.00100 and 0.00112; gnomAD exomes 0.00104 and 0.00140; TOPMed 0.00107; ESP Exome Variant Server 0.00108; ExAC 0.00128.
gnomAD v4.1: 2,170 of 1,612,500 alleles (0.13%); highest among the groups gnomAD compares: Non-Finnish European, 0.17%; 4 homozygotes.

Submissions (3):

Labcorp Genetics (formerly Invitae), Labcorp
Classification: Benign. Last evaluated: 2026-01-17. Review status: criteria provided, single submitter. Criteria: Invitae Variant Classification Sherloc (09022015). Collection method: clinical testing. Allele origin: germline.

CeGaT Center for Human Genetics Tuebingen
Classification: Likely benign. Last evaluated: 2025-07-01. Review status: criteria provided, single submitter. Criteria: CeGaT Center For Human Genetics Tuebingen Variant Classification Criteria Version 2. Collection method: clinical testing. Allele origin: germline. Affected: yes. Observed: 10 variant alleles.
Comment: GNB1: BP4, BP7

Blueprint Genetics
Classification: Likely benign. Last evaluated: 2024-10-22. Review status: criteria provided, single submitter. Criteria: ACMG Guidelines, 2015. Collection method: clinical testing. Allele origin: germline.

NM_002074.5(GNB1):c.738C>T (p.Asp246=)

Gene: GNB1 (G protein subunit beta 1; minus strand). Cytogenetic location: 1p36.33.
Variant type: single nucleotide variant.
Coding change: c.738C>T on transcript NM_002074.5 (MANE Select); coding-DNA position 738, C replaced by T.
Protein change: p.Asp246=; no amino-acid change (aspartic acid 246 retained).
Molecular consequence: synonymous variant.
Genome position (GRCh38, 1-based): chr1:1,789,231, G>A on the plus strand (C>T on the coding strand, the complement: GNB1 is on the minus strand). VCF-style: chr1-1789231-G-A. GRCh37 (hg19) VCF-style: chr1-1720670-G-A.
Other names: c.438C>T, p.Asp146= (NM_001282538.2); c.738C>T, p.Asp246= (NM_001282539.2).
Identifiers: ClinVar variation 787611 (VCV000787611.39), dbSNP rs79516120, ClinGen allele CA531941.
Genomic context (GRCh38, chr1:1,789,231, plus strand): 5'-ATGGGAGTAAGTCATGAGCTCCTGGTCAGCACGAAGGTCAAACAGCCTGCAGGTGGCGTC[G>A]TCTGAGCCAGTGGCAAATGCATTGCCATTTGGAAAGAACTGGAAAGAGAAAGCAAATCAA-3'
Protein context (NP_002065.1, residues 236-256): PNGNAFATGS[Asp246=]DATCRLFDLR